The following is an entry in ClinVar:

ClinVar aggregate classification (germline): Uncertain significance (1 of 4 stars; one submission).

gnomAD v4.1: 22 of 1,613,890 alleles (0.0014%); highest among the groups gnomAD compares: Non-Finnish European, 0.0019%; no homozygotes.

Submission:

Women's Health and Genetics/Laboratory Corporation of America, LabCorp
Classification: Uncertain significance. Last evaluated: 2024-09-11. Review status: criteria provided, single submitter. Criteria: LabCorp Variant Classification Summary - May 2015. Collection method: clinical testing. Allele origin: germline.
Comment: Variant summary: KIF5C c.874T>G (p.Leu292Val) results in a conservative amino acid change located in the Kinesin motor domain (IPR001752) of the encoded protein sequence. Four of five in-silico tools predict a damaging effect of the variant on protein function. The variant allele was found at a frequency of 4e-06 in 249244 control chromosomes. The available data on variant occurrences in the general population are insufficient to allow any conclusion about variant significance. To our knowledge, no occurrence of c.874T>G in individuals affected with Complex Cortical Dysplasia With Other Brain Malformations 2 and no experimental evidence demonstrating its impact on protein function have been reported. No submitters have cited clinical-significance assessments for this variant to ClinVar. Based on the evidence outlined above, the variant was classified as uncertain significance.

NM_004522.3(KIF5C):c.874T>G (p.Leu292Val)

Gene: KIF5C (kinesin family member 5C; plus strand). Cytogenetic location: 2q23.1.
Variant type: single nucleotide variant.
Coding change: c.874T>G on transcript NM_004522.3 (MANE Select); coding-DNA position 874, T replaced by G.
Protein change: p.Leu292Val; replaces leucine 292 with valine.
Molecular consequence: missense variant. On other transcripts: non-coding transcript variant (1).
Genome position (GRCh38, 1-based): chr2:148,950,368, T>G. VCF-style: chr2-148950368-T-G. GRCh37 (hg19) VCF-style: chr2-149806882-T-G.
Other names: short protein forms L292V.
Identifiers: ClinVar variation 3374888 (VCV003374888.1).